The following is an entry in ClinVar:

ClinVar aggregate classification (germline): Uncertain significance (1 of 4 stars; one submission).

Submission:

Labcorp Genetics (formerly Invitae), Labcorp
Classification: Uncertain significance. Last evaluated: 2022-10-08. Review status: criteria provided, single submitter. Criteria: Invitae Variant Classification Sherloc (09022015). Collection method: clinical testing. Allele origin: germline.
Comment: This variant, c.941_943del, results in the deletion of 1 amino acid(s) of the GZF1 protein (p.Lys314del), but otherwise preserves the integrity of the reading frame. This variant is present in population databases (rs762970414, gnomAD 0.1%), and has an allele count higher than expected for a pathogenic variant. This variant has not been reported in the literature in individuals affected with GZF1-related conditions. Experimental studies and prediction algorithms are not available or were not evaluated, and the functional significance of this variant is currently unknown. In summary, the available evidence is currently insufficient to determine the role of this variant in disease. Therefore, it has been classified as a Variant of Uncertain Significance.

NM_022482.5(GZF1):c.932AGA[3] (p.Lys314del)

Gene: GZF1 (GDNF inducible zinc finger protein 1; plus strand). Cytogenetic location: 20p11.21.
Variant type: Microsatellite.
Coding change: c.932AGA[3] on transcript NM_022482.5 (MANE Select); three copies in a row of the 3-base unit AGA starting at c.932; the reference has four copies in a row; one copy, 3 bases deleted.
Protein change: p.Lys314del; deletes lysine 314.
Molecular consequence: inframe deletion.
Genome position (GRCh38, 1-based): chr20:23,365,324-23,365,326, AGA deleted; deleting any 3 consecutive bases within chr20:23,365,315-23,365,326 gives the same sequence; the position shown is the placement nearest the transcript's 3' end. VCF-style (leftmost placement, unchanged base first): chr20-23365314-GAGA-G. GRCh37 (hg19) VCF-style: chr20-23345951-GAGA-G.
Other names: c.932AGA[3], p.Lys314del (NM_001317012.2, NM_001317019.1); short protein forms K314del.
Identifiers: ClinVar variation 1346802 (VCV001346802.3), dbSNP rs762970414, ClinGen allele CA9788612.